The following is an entry in ClinVar:

NM_004304.5(ALK):c.3352C>G (p.Leu1118Val)

Gene: ALK (ALK receptor tyrosine kinase; minus strand). Cytogenetic location: 2p23.2.
Variant type: single nucleotide variant.
Coding change: c.3352C>G on transcript NM_004304.5 (MANE Select); coding-DNA position 3352, C replaced by G.
Protein change: p.Leu1118Val; replaces leucine 1118 with valine.
Molecular consequence: missense variant.
Genome position (GRCh38, 1-based): chr2:29,223,349, G>C on the plus strand (C>G on the coding strand, the complement: ALK is on the minus strand). VCF-style: chr2-29223349-G-C. GRCh37 (hg19) VCF-style: chr2-29446215-G-C.
Other names: c.3352C>G (NM_004304.4); c.148C>G, p.Leu50Val (NM_001353765.2); short protein forms L50V, L1118V.
Identifiers: ClinVar variation 1359579 (VCV001359579.9), dbSNP rs1472845031, ClinGen allele CA346464613.

ClinVar aggregate classification (germline): Uncertain significance. Review status: criteria provided, multiple submitters, no conflicts (2 of 4 stars). 2 submissions from 2 submitters: Uncertain significance (2). Last evaluated 2024-05-22.

Conditions:
Hereditary cancer-predisposing syndrome. Also called: Hereditary Cancer Syndrome; Hereditary neoplastic syndrome; Tumor predisposition; Neoplastic Syndromes, Hereditary. Identifiers: Orphanet 140162, MedGen C0027672, MeSH D009386, MONDO:0015356.
Neuroblastoma, susceptibility to, 3. Also called: ALK-Related Neuroblastic Tumor Susceptibility. Identifiers: Orphanet 635, MedGen C2751681, MONDO:0013083, OMIM 613014.

Submissions (2):

Labcorp Genetics (formerly Invitae), Labcorp
Classification: Uncertain significance for Neuroblastoma, susceptibility to, 3. Last evaluated: 2024-05-22. Review status: criteria provided, single submitter. Criteria: Invitae Variant Classification Sherloc (09022015). Collection method: clinical testing. Allele origin: germline.
Comment: This sequence change replaces leucine, which is neutral and non-polar, with valine, which is neutral and non-polar, at codon 1118 of the ALK protein (p.Leu1118Val). This variant is not present in population databases (gnomAD no frequency). This variant has not been reported in the literature in individuals affected with ALK-related conditions. ClinVar contains an entry for this variant (Variation ID: 1359579). An algorithm developed to predict the effect of missense changes on protein structure and function (PolyPhen-2) suggests that this variant is likely to be tolerated. In summary, the available evidence is currently insufficient to determine the role of this variant in disease. Therefore, it has been classified as a Variant of Uncertain Significance.

Ambry Genetics
Classification: Uncertain significance for Hereditary cancer-predisposing syndrome. Last evaluated: 2023-10-27. Review status: criteria provided, single submitter. Criteria: Ambry Variant Classification Scheme 2023. Collection method: clinical testing. Allele origin: germline.
Comment: The p.L1118V variant (also known as c.3352C>G), located in coding exon 20 of the ALK gene, results from a C to G substitution at nucleotide position 3352. The leucine at codon 1118 is replaced by valine, an amino acid with highly similar properties. This amino acid position is conserved. In addition, the in silico prediction for this alteration is inconclusive. Since supporting evidence is limited at this time, the clinical significance of this alteration remains unclear.